The following is an entry in ClinVar:

ClinVar aggregate classification (germline): Uncertain significance (1 of 4 stars; one submission).

Conditions:
Kabuki syndrome. Also called: NIIKAWA-KUROKI SYNDROME; Kabuki make-up syndrome. Identifiers: Orphanet 2322, MedGen C0796004, MONDO:0016512.

gnomAD v4.1: 3 of 1,613,050 alleles (0.00019%); highest among the groups gnomAD compares: Non-Finnish European, 0.00025%; no homozygotes.

Submission:

Labcorp Genetics (formerly Invitae), Labcorp
Classification: Uncertain significance for Kabuki syndrome. Last evaluated: 2026-01-06. Review status: criteria provided, single submitter. Criteria: Invitae Variant Classification Sherloc (09022015). Collection method: clinical testing. Allele origin: germline.
Comment: This sequence change replaces proline, which is neutral and non-polar, with serine, which is neutral and polar, at codon 4175 of the KMT2D protein (p.Pro4175Ser). This variant is not present in population databases (gnomAD no frequency). This variant has not been reported in the literature in individuals affected with KMT2D-related conditions. Invitae Evidence Modeling of protein sequence and biophysical properties (such as structural, functional, and spatial information, amino acid conservation, physicochemical variation, residue mobility, and thermodynamic stability) indicates that this missense variant is not expected to disrupt KMT2D protein function with a negative predictive value of 95%. In summary, the available evidence is currently insufficient to determine the role of this variant in disease. Therefore, it has been classified as a Variant of Uncertain Significance.

NM_003482.4(KMT2D):c.12523C>T (p.Pro4175Ser)

Gene: KMT2D (lysine methyltransferase 2D; minus strand). Cytogenetic location: 12q13.12.
Variant type: single nucleotide variant.
Coding change: c.12523C>T on transcript NM_003482.4 (MANE Select); coding-DNA position 12523, C replaced by T.
Protein change: p.Pro4175Ser; replaces proline 4175 with serine.
Molecular consequence: missense variant.
Genome position (GRCh38, 1-based): chr12:49,032,182, G>A on the plus strand (C>T on the coding strand, the complement: KMT2D is on the minus strand). VCF-style: chr12-49032182-G-A. GRCh37 (hg19) VCF-style: chr12-49425965-G-A.
Other names: short protein forms P4175S.
Identifiers: ClinVar variation 4801195 (VCV004801195.1).